The following is an entry in ClinVar:

NM_006734.4(HIVEP2):c.6419C>G (p.Thr2140Arg)

Gene: HIVEP2 (HIVEP zinc finger 2; minus strand). Cytogenetic location: 6q24.2.
Variant type: single nucleotide variant.
Coding change: c.6419C>G on transcript NM_006734.4 (MANE Select); coding-DNA position 6419, C replaced by G.
Protein change: p.Thr2140Arg; replaces threonine 2140 with arginine.
Molecular consequence: missense variant.
Genome position (GRCh38, 1-based): chr6:142,759,869, G>C on the plus strand (C>G on the coding strand, the complement: HIVEP2 is on the minus strand). VCF-style: chr6-142759869-G-C. GRCh37 (hg19) VCF-style: chr6-143081006-G-C.
Other names: short protein forms T2140R.
Identifiers: ClinVar variation 3654383 (VCV003654383.2).

ClinVar aggregate classification (germline): Uncertain significance (1 of 4 stars; one submission).

Submission:

Labcorp Genetics (formerly Invitae), Labcorp
Classification: Uncertain significance. Last evaluated: 2024-10-24. Review status: criteria provided, single submitter. Criteria: Invitae Variant Classification Sherloc (09022015). Collection method: clinical testing. Allele origin: germline.
Comment: This sequence change replaces threonine, which is neutral and polar, with arginine, which is basic and polar, at codon 2140 of the HIVEP2 protein (p.Thr2140Arg). This variant is not present in population databases (gnomAD no frequency). This variant has not been reported in the literature in individuals affected with HIVEP2-related conditions. An algorithm developed to predict the effect of missense changes on protein structure and function (PolyPhen-2) suggests that this variant is likely to be tolerated. In summary, the available evidence is currently insufficient to determine the role of this variant in disease. Therefore, it has been classified as a Variant of Uncertain Significance.